The following is an entry in ClinVar:

ClinVar aggregate classification (germline): Likely benign. Review status: criteria provided, single submitter (1 of 4 stars). 2 submissions from 2 submitters: Likely benign (1). 1 of the submissions does not count toward it. Last evaluated 2026-02-04.

Conditions:
EPHB4-related disorder. Also called: EPHB4-related condition; EPHB4-related disorders.

Allele frequency attached by ClinVar (database versions not stated): ESP Exome Variant Server 0.00015; 1000 Genomes Project 30x 0.00016; TOPMed 0.00026.
gnomAD v4.1: 120 of 1,613,420 alleles (0.0074%); highest among the groups gnomAD compares: African/African-American, 0.056%; no homozygotes.

Submissions (2):

Labcorp Genetics (formerly Invitae), Labcorp
Classification: Likely benign. Last evaluated: 2026-02-04. Review status: criteria provided, single submitter. Criteria: Invitae Variant Classification Sherloc (09022015). Collection method: clinical testing. Allele origin: germline.

PreventionGenetics, part of Exact Sciences
Classification: Likely benign for EPHB4-related condition. Last evaluated: 2022-11-10. Review status: no assertion criteria provided. Collection method: clinical testing. Allele origin: germline. Not counted in ClinVar's aggregate classification.
Comment: This variant is classified as likely benign based on ACMG/AMP sequence variant interpretation guidelines (Richards et al. 2015 PMID: 25741868, with internal and published modifications).

NM_004444.5(EPHB4):c.1870+9C>T

Gene: EPHB4 (EPH receptor B4; minus strand). Cytogenetic location: 7q22.1.
Variant type: single nucleotide variant.
Coding change: c.1870+9C>T on transcript NM_004444.5 (MANE Select); 9 bases into the intron after coding-DNA position 1870, C replaced by T.
Molecular consequence: intron variant.
Genome position (GRCh38, 1-based): chr7:100,813,086, G>A on the plus strand (C>T on the coding strand, the complement: EPHB4 is on the minus strand). VCF-style: chr7-100813086-G-A. GRCh37 (hg19) VCF-style: chr7-100410708-G-A.
Other names: c.1870+9C>T (NM_004444.4).
Identifiers: ClinVar variation 2139121 (VCV002139121.6), dbSNP rs201075640, ClinGen allele CA4392809.